The following is an entry in ClinVar:

NM_006306.4(SMC1A):c.2973+5G>A

Gene: SMC1A (structural maintenance of chromosomes 1A; minus strand). Cytogenetic location: Xp11.22.
Variant type: single nucleotide variant.
Coding change: c.2973+5G>A on transcript NM_006306.4 (MANE Select); 5 bases into the intron after coding-DNA position 2973, G replaced by A.
Molecular consequence: intron variant.
Genome position (GRCh38, 1-based): chrX:53,394,773, C>T on the plus strand (G>A on the coding strand, the complement: SMC1A is on the minus strand). VCF-style: chrX-53394773-C-T. GRCh37 (hg19) VCF-style: chrX-53421693-C-T.
Other names: c.2907+5G>A (NM_001281463.1).
Identifiers: ClinVar variation 3728770 (VCV003728770.2).
Genomic context (GRCh38, chrX:53,394,773, plus strand): 5'-CTAGGAAGATAGTCCCACTCCCACCCAACCCCCACCCCCACCACACCCCTGTGGTTGATC[C>T]TCACCTTCAGATCCTCACACAGATCACCGTAGTCAATCTCAATGAGGGCCTCTCGTGCAT-3'

ClinVar aggregate classification (germline): Uncertain significance (1 of 4 stars; one submission).

Conditions:
Congenital muscular hypertrophy-cerebral syndrome (CDLS2). Also called: SMC1A-Related Cornelia de Lange Syndrome; Cornelia de Lange syndrome 2. Identifiers: Orphanet 199, MedGen C1802395, MONDO:0010370, OMIM 300590.

Submission:

Labcorp Genetics (formerly Invitae), Labcorp
Classification: Uncertain significance for Congenital muscular hypertrophy-cerebral syndrome. Last evaluated: 2025-02-04. Review status: criteria provided, single submitter. Criteria: Invitae Variant Classification Sherloc (09022015). Collection method: clinical testing. Allele origin: germline.
Comment: This sequence change falls in intron 19 of the SMC1A gene. It does not directly change the encoded amino acid sequence of the SMC1A protein. It affects a nucleotide within the consensus splice site. This variant is not present in population databases (gnomAD no frequency). This variant has not been reported in the literature in individuals affected with SMC1A-related conditions. Variants that disrupt the consensus splice site are a relatively common cause of aberrant splicing (PMID: 17576681, 9536098). Algorithms developed to predict the effect of sequence changes on RNA splicing suggest that this variant is not likely to affect RNA splicing. In summary, the available evidence is currently insufficient to determine the role of this variant in disease. Therefore, it has been classified as a Variant of Uncertain Significance.

Literature cited by the submitters: PubMed 17576681; PubMed 9536098.